The following is an entry in ClinVar:

NM_004525.3(LRP2):c.7371T>A (p.Thr2457=)

Gene: LRP2 (LDL receptor related protein 2; minus strand). Cytogenetic location: 2q31.1.
Variant type: single nucleotide variant.
Coding change: c.7371T>A on transcript NM_004525.3 (MANE Select); coding-DNA position 7371, T replaced by A.
Protein change: p.Thr2457=; no amino-acid change (threonine 2457 retained).
Molecular consequence: synonymous variant.
Genome position (GRCh38, 1-based): chr2:169,206,349, A>T on the plus strand (T>A on the coding strand, the complement: LRP2 is on the minus strand). VCF-style: chr2-169206349-A-T. GRCh37 (hg19) VCF-style: chr2-170062859-A-T.
Identifiers: ClinVar variation 747282 (VCV000747282.35), dbSNP rs142471619, ClinGen allele CA1954128.

ClinVar aggregate classification (germline): Likely benign. Review status: criteria provided, multiple submitters, no conflicts (2 of 4 stars). 4 submissions from 4 submitters: Likely benign (4). Last evaluated 2026-09-23.

Conditions:
LRP2-related disorder. Also called: LRP2-related condition.

Allele frequency attached by ClinVar (database versions not stated): gnomAD exomes 0.00006 and 0.00008; ESP Exome Variant Server 0.00023; TOPMed 0.00008; gnomAD 0.00009; ExAC 0.00010.
gnomAD v4.1: 102 of 1,614,000 alleles (0.0063%); highest among the groups gnomAD compares: Admixed American, 0.01%; no homozygotes.

Submissions (4):

PreventionGenetics, part of Exact Sciences
Classification: Likely benign for LRP2-related condition. Last evaluated: 2026-09-23. Review status: criteria provided, single submitter. Criteria: ACMG Guidelines, 2015. Collection method: clinical testing. Allele origin: germline.
Comment: This variant is classified as likely benign based on ACMG/AMP sequence variant interpretation guidelines (Richards et al. 2015 PMID: 25741868, with internal and published modifications).

Labcorp Genetics (formerly Invitae), Labcorp
Classification: Likely benign. Last evaluated: 2026-01-18. Review status: criteria provided, single submitter. Criteria: Invitae Variant Classification Sherloc (09022015). Collection method: clinical testing. Allele origin: germline.

Blueprint Genetics
Classification: Likely benign. Last evaluated: 2024-04-30. Review status: criteria provided, single submitter. Criteria: ACMG Guidelines, 2015. Collection method: clinical testing. Allele origin: germline.

CeGaT Center for Human Genetics Tuebingen
Classification: Likely benign. Last evaluated: 2022-12-01. Review status: criteria provided, single submitter. Criteria: CeGaT Center For Human Genetics Tuebingen Variant Classification Criteria Version 2. Collection method: clinical testing. Allele origin: germline. Affected: yes. Observed: 1 variant allele.
Comment: LRP2: BP4, BP7